The following is an entry in ClinVar:

NM_000338.3(SLC12A1):c.2155G>T (p.Gly719Ter)

Gene: SLC12A1 (solute carrier family 12 member 1; plus strand). Cytogenetic location: 15q21.1.
Variant type: single nucleotide variant.
Coding change: c.2155G>T on transcript NM_000338.3 (MANE Select); coding-DNA position 2155, G replaced by T.
Protein change: p.Gly719Ter; replaces glycine 719 with a stop codon.
Molecular consequence: nonsense.
Genome position (GRCh38, 1-based): chr15:48,267,561, G>T. VCF-style: chr15-48267561-G-T. GRCh37 (hg19) VCF-style: chr15-48559758-G-T.
Other names: c.2155G>T, p.Gly719Ter (NM_001184832.2, NM_001384136.1); short protein forms G719*.
Identifiers: ClinVar variation 3008402 (VCV003008402.3), dbSNP rs1193100543, ClinGen allele CA392314809.

ClinVar aggregate classification (germline): Pathogenic (1 of 4 stars; one submission).

Allele frequency attached by ClinVar (database versions not stated): gnomAD exomes below 0.00001.
gnomAD v4.1: 2 of 1,613,222 alleles (0.00012%); highest among the groups gnomAD compares: Middle Eastern, 0.033%; no homozygotes.

Submission:

Labcorp Genetics (formerly Invitae), Labcorp
Classification: Pathogenic. Last evaluated: 2024-02-19. Review status: criteria provided, single submitter. Criteria: Invitae Variant Classification Sherloc (09022015). Collection method: clinical testing. Allele origin: germline.
Comment: This sequence change creates a premature translational stop signal (p.Gly719*) in the SLC12A1 gene. It is expected to result in an absent or disrupted protein product. Loss-of-function variants in SLC12A1 are known to be pathogenic (PMID: 8640224, 9585600, 19096086). This variant is present in population databases (no rsID available, gnomAD 0.0009%). This variant has not been reported in the literature in individuals affected with SLC12A1-related conditions. For these reasons, this variant has been classified as Pathogenic.

Literature cited by the submitters: PubMed 8640224; PubMed 9585600; PubMed 19096086.